The following is an entry in ClinVar:

NM_139242.4(MTFMT):c.459G>A (p.Trp153Ter)

Gene: MTFMT (mitochondrial methionyl-tRNA formyltransferase; minus strand). Cytogenetic location: 15q22.31.
Variant type: single nucleotide variant.
Coding change: c.459G>A on transcript NM_139242.4 (MANE Select); coding-DNA position 459, G replaced by A.
Protein change: p.Trp153Ter; replaces tryptophan 153 with a stop codon.
Molecular consequence: nonsense.
Genome position (GRCh38, 1-based): chr15:65,023,755, C>T on the plus strand (G>A on the coding strand, the complement: MTFMT is on the minus strand). VCF-style: chr15-65023755-C-T. GRCh37 (hg19) VCF-style: chr15-65316093-C-T.
Other names: short protein forms W153*.
Identifiers: ClinVar variation 1334390 (VCV001334390.3), dbSNP rs771725115, ClinGen allele CA392856308.

ClinVar aggregate classification (germline): Likely pathogenic (1 of 4 stars; one submission).

Conditions:
Combined oxidative phosphorylation defect type 15. Also called: Combined oxidative phosphorylation deficiency 15. Identifiers: Orphanet 319524, MedGen C4706313, MONDO:0013987, OMIM 614947.

gnomAD v4.1: 1 of 1,613,088 alleles (0.000062%); no homozygotes.

Submission:

Dasa
Classification: Likely pathogenic for Combined oxidative phosphorylation defect type 15. Last evaluated: 2022-01-05. Review status: criteria provided, single submitter. Criteria: ACMG Guidelines, 2015. Collection method: clinical testing. Allele origin: germline. Affected: yes. Observed: 1 variant allele.
Comment: The variant creates a premature translational stop signal c.459G>A;p.(Trp153*) in MTFMT gene. It is expected to result in an absent or disrupted protein product - PVS1.This variant is not present in population databases (rs771725115, gnomAD; ABraOM no frequency) - PM2. In summary, the currently available evidence indicates that the variant is likely pathogenic.